The following is an entry in ClinVar:

NM_001042492.3(NF1):c.5344A>G (p.Ile1782Val)

Gene: NF1 (neurofibromin 1; plus strand). Cytogenetic location: 17q11.2.
Variant type: single nucleotide variant.
Coding change: c.5344A>G on transcript NM_001042492.3 (MANE Select); coding-DNA position 5344, A replaced by G.
Protein change: p.Ile1782Val; replaces isoleucine 1782 with valine.
Molecular consequence: missense variant.
Genome position (GRCh38, 1-based): chr17:31,327,574, A>G. VCF-style: chr17-31327574-A-G. GRCh37 (hg19) VCF-style: chr17-29654592-A-G.
Other names: c.5281A>G, p.Ile1761Val (NM_000267.4); short protein forms I1761V, I1782V.
Identifiers: ClinVar variation 457750 (VCV000457750.18), dbSNP rs1160436761, ClinGen allele CA399009225.

ClinVar aggregate classification (germline): Conflicting classifications of pathogenicity. Review status: criteria provided, conflicting classifications (1 of 4 stars). 5 submissions from 5 submitters: Uncertain significance (3); Benign (1); Likely benign (1). Last evaluated 2025-11-25.

Conditions:
Cardiovascular phenotype. Identifiers: MedGen CN230736.
Hereditary cancer-predisposing syndrome. Also called: Hereditary Cancer Syndrome; Hereditary neoplastic syndrome; Tumor predisposition; Neoplastic Syndromes, Hereditary. Identifiers: Orphanet 140162, MedGen C0027672, MeSH D009386, MONDO:0015356.
Neurofibromatosis, type 1 (NF1). Also called: VON RECKLINGHAUSEN DISEASE; NEUROFIBROMATOSIS, TYPE I, SOMATIC; Peripheral type neurofibromatosis; Neurofibromatosis, type I. Identifiers: Orphanet 636, MedGen C0027831, MONDO:0018975, OMIM 162200. Disease mechanism: loss of function.
Café-au-lait macules with pulmonary stenosis (WTSN). Also called: PULMONIC STENOSIS WITH CAFE-AU-LAIT SPOTS. Identifiers: MedGen C0553586, MONDO:0008672, OMIM 193520.
Juvenile myelomonocytic leukemia (JMML). Also called: LEUKEMIA, JUVENILE MYELOMONOCYTIC, SOMATIC. Identifiers: Orphanet 86834, MedGen C0349639, MONDO:0011908, OMIM 607785, HP:0012209.
Neurofibromatosis-Noonan syndrome (NFNS). Also called: NEUROFIBROMATOSIS WITH NOONAN PHENOTYPE. Identifiers: Orphanet 638, MedGen C2931482, MONDO:0011035, OMIM 601321. Disease mechanism: loss of function.
Neurofibromatosis, familial spinal (FSNF). Identifiers: Orphanet 636, MedGen C1834235, MONDO:0008078, OMIM 162210. Disease mechanism: loss of function.

Allele frequency attached by ClinVar (database versions not stated): gnomAD exomes 0.00001.
gnomAD v4.1: 4 of 1,614,234 alleles (0.00025%); highest among the groups gnomAD compares: Non-Finnish European, 0.00034%; no homozygotes.

Submissions (5):

Labcorp Genetics (formerly Invitae), Labcorp
Classification: Benign for Neurofibromatosis, type 1. Last evaluated: 2025-11-25. Review status: criteria provided, single submitter. Criteria: Invitae Variant Classification Sherloc (09022015). Collection method: clinical testing. Allele origin: germline.

GeneDx
Classification: Uncertain significance. Last evaluated: 2024-02-27. Review status: criteria provided, single submitter. Criteria: GeneDx Variant Classification Process June 2021. Collection method: clinical testing. Allele origin: germline. Affected: yes.
Comment: In silico analysis supports that this missense variant does not alter protein structure/function; Has not been previously published as pathogenic or benign to our knowledge

Ambry Genetics
Classification: Likely benign for Cardiovascular phenotype; Hereditary cancer-predisposing syndrome. Last evaluated: 2022-12-29. Review status: criteria provided, single submitter. Criteria: Ambry Variant Classification Scheme 2023. Collection method: clinical testing. Allele origin: germline.

Genome-Nilou Lab
Classification: Uncertain significance for Neurofibromatosis, type 1. Last evaluated: 2022-03-15. Review status: criteria provided, single submitter. Criteria: ACMG Guidelines, 2015. Collection method: clinical testing. Allele origin: germline. Affected: no.

Fulgent Genetics
Classification: Uncertain significance for Neurofibromatosis, type 1; Neurofibromatosis, familial spinal; Café-au-lait macules with pulmonary stenosis; Neurofibromatosis-Noonan syndrome; Juvenile myelomonocytic leukemia. Last evaluated: 2021-07-11. Review status: criteria provided, single submitter. Criteria: ACMG Guidelines, 2015. Collection method: clinical testing. Allele origin: unknown.